The following is an entry in ClinVar:

ClinVar aggregate classification (germline): Uncertain significance (1 of 4 stars; one submission).

gnomAD v4.1: 4 of 1,613,890 alleles (0.00025%); highest among the groups gnomAD compares: Non-Finnish European, 0.00034%; no homozygotes.

Submission:

Labcorp Genetics (formerly Invitae), Labcorp
Classification: Uncertain significance. Last evaluated: 2024-02-15. Review status: criteria provided, single submitter. Criteria: Invitae Variant Classification Sherloc (09022015). Collection method: clinical testing. Allele origin: germline.
Comment: This sequence change replaces methionine, which is neutral and non-polar, with valine, which is neutral and non-polar, at codon 333 of the FBLN5 protein (p.Met333Val). This variant is not present in population databases (gnomAD no frequency). This variant has not been reported in the literature in individuals affected with FBLN5-related conditions. Advanced modeling of protein sequence and biophysical properties (such as structural, functional, and spatial information, amino acid conservation, physicochemical variation, residue mobility, and thermodynamic stability) performed at Invitae indicates that this missense variant is not expected to disrupt FBLN5 protein function with a negative predictive value of 80%. In summary, the available evidence is currently insufficient to determine the role of this variant in disease. Therefore, it has been classified as a Variant of Uncertain Significance.

NM_006329.4(FBLN5):c.997A>G (p.Met333Val)

Gene: FBLN5 (fibulin 5; minus strand). Cytogenetic location: 14q32.12.
Variant type: single nucleotide variant.
Coding change: c.997A>G on transcript NM_006329.4 (MANE Select); coding-DNA position 997, A replaced by G.
Protein change: p.Met333Val; replaces methionine 333 with valine.
Molecular consequence: missense variant.
Genome position (GRCh38, 1-based): chr14:91,877,675, T>C on the plus strand (A>G on the coding strand, the complement: FBLN5 is on the minus strand). VCF-style: chr14-91877675-T-C. GRCh37 (hg19) VCF-style: chr14-92344019-T-C.
Other names: c.1120A>G, p.Met374Val (NM_001384158.1); c.1048A>G, p.Met350Val (NM_001384159.1); c.997A>G, p.Met333Val (NM_001384160.1); c.829A>G, p.Met277Val (NM_001384161.1, NM_001384162.1); short protein forms M277V, M350V, M333V, M374V.
Identifiers: ClinVar variation 3685081 (VCV003685081.2).